The following is an entry in ClinVar:

ClinVar aggregate classification (germline): Uncertain significance (1 of 4 stars; one submission).

Allele frequency attached by ClinVar (database versions not stated): gnomAD exomes 0.00001.
gnomAD v4.1: 6 of 1,613,412 alleles (0.00037%); highest among the groups gnomAD compares: Non-Finnish European, 0.00051%; no homozygotes.

Submission:

Labcorp Genetics (formerly Invitae), Labcorp
Classification: Uncertain significance. Last evaluated: 2024-04-29. Review status: criteria provided, single submitter. Criteria: Invitae Variant Classification Sherloc (09022015). Collection method: clinical testing. Allele origin: germline.
Comment: This sequence change replaces lysine, which is basic and polar, with arginine, which is basic and polar, at codon 339 of the DNM1L protein (p.Lys339Arg). This variant is not present in population databases (gnomAD no frequency). This variant has not been reported in the literature in individuals affected with DNM1L-related conditions. ClinVar contains an entry for this variant (Variation ID: 2418025). An algorithm developed to predict the effect of missense changes on protein structure and function (PolyPhen-2) suggests that this variant is likely to be tolerated. In summary, the available evidence is currently insufficient to determine the role of this variant in disease. Therefore, it has been classified as a Variant of Uncertain Significance.

NM_012062.5(DNM1L):c.1016A>G (p.Lys339Arg)

Gene: DNM1L (dynamin 1 like; plus strand). Cytogenetic location: 12p11.21.
Variant type: single nucleotide variant.
Coding change: c.1016A>G on transcript NM_012062.5 (MANE Select); coding-DNA position 1016, A replaced by G.
Protein change: p.Lys339Arg; replaces lysine 339 with arginine.
Molecular consequence: missense variant.
Genome position (GRCh38, 1-based): chr12:32,722,570, A>G. VCF-style: chr12-32722570-A-G. GRCh37 (hg19) VCF-style: chr12-32875504-A-G.
Other names: c.1016A>G, p.Lys339Arg (NM_001278463.2, NM_005690.5, NM_012063.4); c.1055A>G, p.Lys352Arg (NM_001278464.2, NM_001278465.2, NM_001330380.2); c.407A>G, p.Lys136Arg (NM_001278466.2); short protein forms K136R, K339R, K352R.
Identifiers: ClinVar variation 2418025 (VCV002418025.6), dbSNP rs2541045968, ClinGen allele CA384371178.